The following is an entry in ClinVar:

ClinVar aggregate classification (germline): Uncertain significance (1 of 4 stars; one submission).

Submission:

Labcorp Genetics (formerly Invitae), Labcorp
Classification: Uncertain significance. Last evaluated: 2024-07-18. Review status: criteria provided, single submitter. Criteria: Invitae Variant Classification Sherloc (09022015). Collection method: clinical testing. Allele origin: germline.
Comment: This sequence change falls in intron 7 of the DDX3X gene. It does not directly change the encoded amino acid sequence of the DDX3X protein. Information on the frequency of this variant in the gnomAD database is not available, as this variant may be reported differently in the database. This variant has not been reported in the literature in individuals affected with DDX3X-related conditions. ClinVar contains an entry for this variant (Variation ID: 1909547). Experimental studies and prediction algorithms are not available or were not evaluated, and the effect of this variant on mRNA splicing is currently unknown. In summary, the available evidence is currently insufficient to determine the role of this variant in disease. Therefore, it has been classified as a Variant of Uncertain Significance.

NM_001356.5(DDX3X):c.680-21_680-20delinsGA

Gene: DDX3X (DEAD-box helicase 3 X-linked; plus strand). Cytogenetic location: Xp11.4.
Variant type: Indel.
Coding change: c.680-21_680-20delinsGA on transcript NM_001356.5 (MANE Select); 21 bases into the intron before coding-DNA position 680 through 20 bases into the intron before coding-DNA position 680, TG replaced by GA.
Molecular consequence: intron variant.
Genome position (GRCh38, 1-based): chrX:41,343,716-41,343,717, TG replaced by GA. VCF-style: chrX-41343716-TG-GA. GRCh37 (hg19) VCF-style: chrX-41202969-TG-GA.
Other names: c.680-21_680-20delinsGA (NM_001193416.3); c.632-21_632-20delinsGA (NM_001193417.3); c.122-21_122-20delinsGA (NM_001363819.1).
Identifiers: ClinVar variation 1909547 (VCV001909547.5), dbSNP rs2519513033, ClinGen allele CA2580101028.